The following is an entry in ClinVar:

ClinVar aggregate classification (germline): Uncertain significance (1 of 4 stars; one submission).

Allele frequency attached by ClinVar (database versions not stated): gnomAD exomes below 0.00001; gnomAD 0.00001.
gnomAD v4.1: 2 of 1,613,002 alleles (0.00012%); highest among the groups gnomAD compares: Admixed American, 0.0033%; no homozygotes.

Submission:

Labcorp Genetics (formerly Invitae), Labcorp
Classification: Uncertain significance. Last evaluated: 2022-11-01. Review status: criteria provided, single submitter. Criteria: Invitae Variant Classification Sherloc (09022015). Collection method: clinical testing. Allele origin: germline.
Comment: This sequence change replaces glutamine, which is neutral and polar, with lysine, which is basic and polar, at codon 74 of the SLCO5A1 protein (p.Gln74Lys). This variant is present in population databases (no rsID available, gnomAD 0.006%). This variant has not been reported in the literature in individuals affected with SLCO5A1-related conditions. Algorithms developed to predict the effect of missense changes on protein structure and function (SIFT, PolyPhen-2, Align-GVGD) all suggest that this variant is likely to be tolerated. In summary, the available evidence is currently insufficient to determine the role of this variant in disease. Therefore, it has been classified as a Variant of Uncertain Significance.

NM_030958.3(SLCO5A1):c.220C>A (p.Gln74Lys)

Gene: SLCO5A1 (solute carrier organic anion transporter family member 5A1; minus strand). Cytogenetic location: 8q13.3.
Variant type: single nucleotide variant.
Coding change: c.220C>A on transcript NM_030958.3 (MANE Select); coding-DNA position 220, C replaced by A.
Protein change: p.Gln74Lys; replaces glutamine 74 with lysine.
Molecular consequence: missense variant.
Genome position (GRCh38, 1-based): chr8:69,832,454, G>T on the plus strand (C>A on the coding strand, the complement: SLCO5A1 is on the minus strand). VCF-style: chr8-69832454-G-T. GRCh37 (hg19) VCF-style: chr8-70744689-G-T.
Other names: c.220C>A, p.Gln74Lys (NM_001146008.2, NM_001146009.1); short protein forms Q74K.
Identifiers: ClinVar variation 2202197 (VCV002202197.4), dbSNP rs1479164071, ClinGen allele CA371268109.
Genomic context (GRCh38, chr8:69,832,454, plus strand): 5'-CCCCGAGCCCCGCCGAAGTGGACGGGGCAGAGGGACTGGGGGCCAACGGGTTCGGGCCTT[G>T]CTTCAACTCCTGGTGGCCCGAAGAATCCACACAGCCAAAGGCCGGGTTGGCGTCTCCACT-3'
Protein context (NP_112220.2, residues 64-84): VDSSGHQELK[Gln74Lys]GPNPLAPSPS